The following is an entry in ClinVar:

ClinVar aggregate classification (germline): Uncertain significance. Review status: criteria provided, multiple submitters, no conflicts (2 of 4 stars). 3 submissions from 3 submitters: Uncertain significance (2). 1 of the submissions does not count toward it. Last evaluated 2024-04-19.

Conditions:
NPHP1-related disorder. Also called: NPHP1-related disorders; NPHP1-related condition.
Joubert syndrome with renal defect. Also called: JOUBERT SYNDROME 4. Identifiers: Orphanet 220497, MedGen C1846790, MONDO:0012308, OMIM 609583.
Nephronophthisis 1 (NPHP1). Also called: Nephronophthisis familial juvenile. Identifiers: Orphanet 655, Orphanet 93592, MedGen C1855681, MONDO:0009728, OMIM 256100.
Senior-Loken syndrome 1 (SLSN1). Also called: JUVENILE NEPHRONOPHTHISIS WITH LEBER AMAUROSIS. Identifiers: Orphanet 3156, MedGen C4551559, MONDO:0009962, OMIM 266900.

Submissions (3):

Fulgent Genetics
Classification: Uncertain significance for Nephronophthisis 1; Senior-Loken syndrome 1; Joubert syndrome with renal defect. Last evaluated: 2024-04-19. Review status: criteria provided, single submitter. Criteria: ACMG Guidelines, 2015. Collection method: clinical testing. Allele origin: germline.

Eurofins Ntd Llc (ga)
Classification: Uncertain significance. Last evaluated: 2017-06-29. Review status: criteria provided, single submitter. Criteria: EGL Classification Definitions 2015. Collection method: clinical testing. Allele origin: germline. Observed: 1 variant allele, 1 heterozygote.

PreventionGenetics, part of Exact Sciences
Classification: Uncertain significance for NPHP1-related condition. Last evaluated: 2024-08-05. Review status: no assertion criteria provided. Collection method: clinical testing. Allele origin: germline. Not counted in ClinVar's aggregate classification.
Comment: The NPHP1 c.2034_2036delAGA variant is predicted to result in an in-frame deletion (p.Glu679del). To our knowledge, this variant has not been reported in the literature. This variant is reported in 0.0026% of alleles in individuals of European (Non-Finnish) descent in gnomAD. At this time, the clinical significance of this variant is uncertain due to the absence of conclusive functional and genetic evidence.

NM_001128178.3(NPHP1):c.1860AGA[2] (p.Glu623del)

Gene: NPHP1 (nephrocystin 1; minus strand). Cytogenetic location: 2q13.
Variant type: Microsatellite.
Coding change: c.1860AGA[2] on transcript NM_001128178.3 (MANE Select); two copies in a row of the 3-base unit AGA starting at c.1860; the reference has three copies in a row; one copy, 3 bases deleted.
Protein change: p.Glu623del; deletes glutamic acid 623.
Molecular consequence: inframe deletion. On other transcripts: 3 prime UTR variant (1).
Genome position (GRCh38, 1-based): chr2:110,123,957-110,123,959, TCT deleted on the plus strand (AGA on the coding strand, the reverse complement: NPHP1 is on the minus strand); deleting any 3 consecutive bases within chr2:110,123,957-110,123,965 gives the same sequence; the position shown is the placement nearest the transcript's 3' end. VCF-style (leftmost placement, unchanged base first): chr2-110123956-CTCT-C. GRCh37 (hg19) VCF-style: chr2-110881533-CTCT-C.
Other names: c.2028AGA[2], p.Glu679del (NM_000272.5); c.1671AGA[2], p.Glu560del (NM_001128179.3); c.1857AGA[2], p.Glu622del (NM_001374256.1); c.*102AGA[2] (NM_001374257.1); c.2025AGA[2], p.Glu678del (NM_207181.4); c.2034_2036delAGA (NM_000272.3); c.2034_2036del (NM_000272.4); short protein forms E679del, E623del, E678del, E560del, E622del.
Identifiers: ClinVar variation 502793 (VCV000502793.7), dbSNP rs769266828, ClinGen allele CA1826855.
Genomic context (GRCh38, chr2:110,123,956, plus strand): 5'-CTGGTTTTCTTGGTTTTGCTTAAGGAAGTCAGTGATAACTTTCCACCGTGCAGTCTCAGT[CTCT>C]TCTTCTGCCCACCTGAATGGGGGTAGGCGTGTGGAGTGGAGAAGTGGGAGCACGCAGTCA-3'